The following is an entry in ClinVar:

NM_004655.4(AXIN2):c.2291T>G (p.Leu764Trp)

Gene: AXIN2 (axin 2; minus strand). Cytogenetic location: 17q24.1.
Variant type: single nucleotide variant.
Coding change: c.2291T>G on transcript NM_004655.4 (MANE Select); coding-DNA position 2291, T replaced by G.
Protein change: p.Leu764Trp; replaces leucine 764 with tryptophan.
Molecular consequence: missense variant.
Genome position (GRCh38, 1-based): chr17:65,534,026, A>C on the plus strand (T>G on the coding strand, the complement: AXIN2 is on the minus strand). VCF-style: chr17-65534026-A-C. GRCh37 (hg19) VCF-style: chr17-63530144-A-C.
Other names: c.2096T>G, p.Leu699Trp (NM_001363813.1); short protein forms L764W, L699W.
Identifiers: ClinVar variation 5032646 (VCV005032646.1).

ClinVar aggregate classification (germline): Uncertain significance (1 of 4 stars; one submission).

Conditions:
Hereditary cancer-predisposing syndrome. Also called: Neoplastic Syndromes, Hereditary; Tumor predisposition; Hereditary neoplastic syndrome; Hereditary Cancer Syndrome. Identifiers: Orphanet 140162, MedGen C0027672, MeSH D009386, MONDO:0015356.

gnomAD v4.1: 2 of 1,614,248 alleles (0.00012%); highest among the groups gnomAD compares: Non-Finnish European, 0.000085%; no homozygotes.

Submission:

Ambry Genetics
Classification: Uncertain significance for Hereditary cancer-predisposing syndrome. Last evaluated: 2026-07-07. Review status: criteria provided, single submitter. Criteria: Ambry Variant Classification Scheme 2023. Collection method: clinical testing. Allele origin: germline.
Comment: The p.L764W variant (also known as c.2291T>G), located in coding exon 9 of the AXIN2 gene, results from a T to G substitution at nucleotide position 2291. The leucine at codon 764 is replaced by tryptophan, an amino acid with similar properties. This amino acid position is conserved. In addition, the in silico prediction for this alteration is inconclusive. Based on the available evidence, the clinical significance of this variant remains unclear.